The following is an entry in ClinVar:

ClinVar aggregate classification (germline): Pathogenic/Likely pathogenic. Review status: criteria provided, multiple submitters, no conflicts (2 of 4 stars). 8 submissions from 8 submitters: Pathogenic (3); Likely pathogenic (3). 2 of the submissions do not count toward it. Last evaluated 2026-01-26.

Conditions:
Galloway-Mowat syndrome 3. Identifiers: MedGen C4540266, MONDO:0033007, OMIM 617729.
Inborn genetic diseases. Identifiers: MedGen C0950123, MeSH D030342.
Nephrotic syndrome. Identifiers: MedGen C0027726, MONDO:0005377, HP:0000100.

Allele frequency attached by ClinVar (database versions not stated): gnomAD exomes 0.00002 and 0.00012; gnomAD 0.00003; ExAC 0.00007; TOPMed 0.00010.

Submissions (8):

Medical and Scientific Branch, Hong Kong Genome Institute
Classification: Likely pathogenic for Galloway-Mowat syndrome 3. Last evaluated: 2026-01-26. Review status: criteria provided, single submitter. Criteria: ACMG Guidelines, 2015. Collection method: clinical testing. Allele origin: biparental. Affected: yes.

First Genomix Gene Laboratory, Genetic Diagnostics Department
Classification: Likely pathogenic for Galloway-Mowat syndrome 3. Last evaluated: 2025-08-29. Review status: criteria provided, single submitter. Criteria: ACMG Guidelines, 2015. Collection method: clinical testing. Allele origin: germline. Inheritance: Autosomal recessive inheritance. Affected: no. Observed: 1 variant allele.

Labcorp Genetics (formerly Invitae), Labcorp
Classification: Pathogenic. Last evaluated: 2025-05-19. Review status: criteria provided, single submitter. Criteria: Invitae Variant Classification Sherloc (09022015). Collection method: clinical testing. Allele origin: germline.
Comment: This sequence change replaces arginine, which is basic and polar, with glutamine, which is neutral and polar, at codon 247 of the OSGEP protein (p.Arg247Gln). This variant is present in population databases (rs773173317, gnomAD 0.1%). This missense change has been observed in individuals with Galloway-Mowat syndrome (PMID: 28805828, 31564459). It has also been observed to segregate with disease in related individuals. ClinVar contains an entry for this variant (Variation ID: 444893). Invitae Evidence Modeling of protein sequence and biophysical properties (such as structural, functional, and spatial information, amino acid conservation, physicochemical variation, residue mobility, and thermodynamic stability) indicates that this missense variant is expected to disrupt OSGEP protein function with a positive predictive value of 80%. Experimental studies have shown that this missense change affects OSGEP function (PMID: 28805828). For these reasons, this variant has been classified as Pathogenic.

Ambry Genetics
Classification: Pathogenic for Inborn genetic diseases. Last evaluated: 2025-05-16. Review status: criteria provided, single submitter. Criteria: Ambry Variant Classification Scheme 2023. Collection method: clinical testing. Allele origin: germline.
Comment: The c.740G>A (p.R247Q) alteration is located in exon 8 (coding exon 8) of the OSGEP gene. This alteration results from a G to A substitution at nucleotide position 740, causing the arginine (R) at amino acid position 247 to be replaced by a glutamine (Q). Based on data from gnomAD, the A allele has an overall frequency of 0.011% (31/282874) total alleles studied. The highest observed frequency was 0.14% (28/19954) of East Asian alleles. This variant has been identified in the homozygous state and/or in conjunction with other OSGEP variant(s) in individual(s) with features consistent with OSGEP-related Galloway-Mowat syndrome; in at least one instance, the variants were identified in trans (Byrne, 2023; Wang, 2023; Tseng, 2023; Ye, 2022; Xu, 2022;Hong, 2020; Warejko, 2018; Lin, 2018; Braun, 2017). This amino acid position is highly conserved in available vertebrate species. In multiple assays testing OSGEP function, this variant showed functionally abnormal results (Krausel, 2023; Braun, 2017). The in silico prediction for this alteration is inconclusive. Based on the available evidence, this alteration is classified as pathogenic.

Victorian Clinical Genetics Services, Murdoch Childrens Research Institute
Classification: Pathogenic for Galloway-Mowat syndrome 3. Last evaluated: 2022-02-02. Review status: criteria provided, single submitter. Criteria: ACMG Guidelines, 2015. Collection method: clinical testing. Allele origin: germline. Inheritance: Autosomal recessive inheritance.
Comment: Based on the classification scheme VCGS_Germline_v1.3.4, this variant is classified as Pathogenic. Following criteria are met: 0102 - Loss of function is a known mechanism of disease in this gene and is associated with Galloway-Mowat syndrome 3 (GAMOS; MIM#617729). (I) 0106 - This gene is associated with autosomal recessive disease. (I) 0200 - Variant is predicted to result in a missense amino acid change from arginine to glutamine. (I) 0251 - This variant is heterozygous. (I) 0304 - Variant is present in gnomAD (v2) <0.01 for a recessive condition (31 heterozygotes, 0 homozygotes). (SP) 0502 - Missense variant with conflicting in silico predictions and uninformative conservation. (I) 0600 - Variant is located in the annotated tRNA N6-adenosine threonylcarbamoyltransferase domain (DECIPHER). (I) 0801 - This variant has strong previous evidence of pathogenicity in unrelated individuals. This variant has been identified in multiple individuals with GAMOS and has been proposed as a Taiwanese/Chinese founder allele (PMIDs: 28805828, 31564459, 33333793). (SP) 0902 - This variant has moderate evidence for segregation with disease. This variant has been shown to segregate in affected siblings across two families (PMIDs: 28805828, 31564459). (SP) 1002 - This variant has moderate functional evidence supporting abnormal protein function. The p.(Arg247Gln) mutant construct failed to rescue the proliferation rate of OSGEP knockdown human podacyte cells and was only able to partially rescue growth defects in yeast lacking the yeast ortholog of OSGEP (kae1), compared to WT (PMID: 28805828). (I) Legend: (SP) - Supporting pathogenic, (I) - Information, (SB) - Supporting benign

Juno Genomics, Hangzhou Juno Genomics, Inc
Classification: Likely pathogenic for Galloway-Mowat syndrome 3. Review status: criteria provided, single submitter. Criteria: ACMG Guidelines, 2015. Collection method: clinical testing. Allele origin: germline.
Comment: Absent from controls (or at extremely low frequency if recessive) in Genome Aggregation Database.;For recessive disorders, detected in trans with a pathogenic variant.;Co-segregation with disease in multiple affected family members.;Well-established in vitro or in vivo functional studies supportive of a damaging effect on the gene or gene product.

Yale Center for Mendelian Genomics, Yale University
Classification: Uncertain significance for Nephrotic syndrome. Last evaluated: 2017-11-10. Review status: no assertion criteria provided. Collection method: literature only. Allele origin: germline. Affected: yes. Observed: 1 homozygote. Study: Yale Center for Mendelian Genomics. Not counted in ClinVar's aggregate classification.

OMIM
Classification: Pathogenic for GALLOWAY-MOWAT SYNDROME 3. Last evaluated: 2017-10-30. Review status: no assertion criteria provided. Collection method: literature only. Allele origin: germline. Not counted in ClinVar's aggregate classification.

Literature cited by the submitters: PubMed 28805828 (cited by 4 submitters); PubMed 31564459 (cited by Labcorp Genetics (formerly Invitae), Labcorp and Victorian Clinical Genetics Services, Murdoch Childrens Research Institute); PubMed 29127259 (cited by Ambry Genetics and Yale Center for Mendelian Genomics, Yale University); PubMed 30558655 (cited by Ambry Genetics); PubMed 33333793 (cited by Ambry Genetics and Victorian Clinical Genetics Services, Murdoch Childrens Research Institute); PubMed 35709690 (cited by Ambry Genetics); PubMed 35783322 (cited by Ambry Genetics); PubMed 36587794 (cited by Ambry Genetics); PubMed 36658419 (cited by Ambry Genetics); PubMed 37229200 (cited by Ambry Genetics); PubMed 37845138 (cited by Ambry Genetics); PubMed 15966048 (cited by OMIM); PubMed 21791310 (cited by OMIM); PubMed 11519896 (cited by OMIM); PubMed 18019379 (cited by OMIM).

NM_017807.4(OSGEP):c.740G>A (p.Arg247Gln)

Gene: OSGEP (O-sialoglycoprotein endopeptidase; minus strand). Cytogenetic location: 14q11.2.
Variant type: single nucleotide variant.
Coding change: c.740G>A on transcript NM_017807.4 (MANE Select); coding-DNA position 740, G replaced by A.
Protein change: p.Arg247Gln; replaces arginine 247 with glutamine.
Molecular consequence: missense variant.
Genome position (GRCh38, 1-based): chr14:20,447,957, C>T on the plus strand (G>A on the coding strand, the complement: OSGEP is on the minus strand). VCF-style: chr14-20447957-C-T. GRCh37 (hg19) VCF-style: chr14-20916116-C-T.
Other names: short protein forms R247Q.
Identifiers: ClinVar variation 444893 (VCV000444893.14), dbSNP rs773173317, ClinGen allele CA7081107.